The following is an entry in ClinVar:

ClinVar aggregate classification (germline): Likely benign. Review status: criteria provided, multiple submitters, no conflicts (2 of 4 stars). 2 submissions from 2 submitters: Likely benign (2). Last evaluated 2024-03-06.

Allele frequency attached by ClinVar (database versions not stated): gnomAD 0.00002; ExAC 0.00003; gnomAD exomes 0.00003; TOPMed 0.00003.
gnomAD v4.1: 123 of 1,614,086 alleles (0.0076%); highest among the groups gnomAD compares: Non-Finnish European, 0.01%; no homozygotes.

Submissions (2):

Blueprint Genetics
Classification: Likely benign. Last evaluated: 2024-03-06. Review status: criteria provided, single submitter. Criteria: ACMG Guidelines, 2015. Collection method: clinical testing. Allele origin: germline.

Laboratory for Molecular Medicine, Mass General Brigham Personalized Medicine
Classification: Likely benign. Last evaluated: 2013-10-05. Review status: criteria provided, single submitter. Criteria: LMM Criteria. Collection method: clinical testing. Allele origin: germline. Observed: 1 variant allele.
Comment: Leu542Leu in Exon 14 of MYH14: This variant is not expected to have clinical si gnificance because it does not alter an amino acid residue and it is not located within the splice consensus sequence.

NM_001145809.2(MYH14):c.1626G>A (p.Leu542=)

Gene: MYH14 (myosin heavy chain 14; plus strand). Cytogenetic location: 19q13.33.
Variant type: single nucleotide variant.
Coding change: c.1626G>A on transcript NM_001145809.2 (MANE Select); coding-DNA position 1626, G replaced by A.
Protein change: p.Leu542=; no amino-acid change (leucine 542 retained).
Molecular consequence: synonymous variant.
Genome position (GRCh38, 1-based): chr19:50,249,793, G>A. VCF-style: chr19-50249793-G-A. GRCh37 (hg19) VCF-style: chr19-50753050-G-A.
Other names: c.1626G>A, p.Leu542= (NM_001077186.2); c.1602G>A, p.Leu534= (NM_024729.4).
Identifiers: ClinVar variation 178954 (VCV000178954.5), dbSNP rs727504565, ClinGen allele CA183375.